The following is an entry in ClinVar:

ClinVar aggregate classification (germline): Uncertain significance (0 of 4 stars; one submission).

Conditions:
LOXL3-related disorder. Also called: LOXL3-related condition.

Submission:

PreventionGenetics, part of Exact Sciences
Classification: Uncertain significance for LOXL3-related condition. Last evaluated: 2024-03-11. Review status: no assertion criteria provided. Collection method: clinical testing. Allele origin: germline.
Comment: The LOXL3 c.202A>T variant is predicted to result in the amino acid substitution p.Thr68Ser. To our knowledge, this variant has not been reported in the literature or in a large population database, indicating this variant is rare. At this time, the clinical significance of this variant is uncertain due to the absence of conclusive functional and genetic evidence.

NM_032603.5(LOXL3):c.202A>T (p.Thr68Ser)

Genes: DOK1 (docking protein 1; plus strand), LOXL3 (lysyl oxidase like 3; minus strand). Cytogenetic location: 2p13.1.
Variant type: single nucleotide variant.
Coding change: c.202A>T on transcript NM_032603.5 (MANE Select); coding-DNA position 202, A replaced by T.
Protein change: p.Thr68Ser; replaces threonine 68 with serine.
Molecular consequence: missense variant. On other transcripts: intron variant (1).
Genome position (GRCh38, 1-based): chr2:74,552,433, T>A on the plus strand (A>T on the coding strand, the complement: LOXL3 is on the minus strand). VCF-style: chr2-74552433-T-A. GRCh37 (hg19) VCF-style: chr2-74779560-T-A.
Other names: c.-357-2721T>A (NM_001197260.2); c.202A>T, p.Thr68Ser (NM_001289164.3); short protein forms T68S.
Identifiers: ClinVar variation 3349579 (VCV003349579.1).